The following is an entry in ClinVar:

NM_006231.4(POLE):c.3070A>G (p.Met1024Val)

Gene: POLE (DNA polymerase epsilon, catalytic subunit; minus strand). Cytogenetic location: 12q24.33.
Variant type: single nucleotide variant.
Coding change: c.3070A>G on transcript NM_006231.4 (MANE Select); coding-DNA position 3070, A replaced by G.
Protein change: p.Met1024Val; replaces methionine 1024 with valine.
Molecular consequence: missense variant.
Genome position (GRCh38, 1-based): chr12:132,659,500, T>C on the plus strand (A>G on the coding strand, the complement: POLE is on the minus strand). VCF-style: chr12-132659500-T-C. GRCh37 (hg19) VCF-style: chr12-133236086-T-C.
Other names: c.3070A>G (NM_006231.2); short protein forms M1024V.
Identifiers: ClinVar variation 960495 (VCV000960495.11), dbSNP rs1456625791, ClinGen allele CA387391888.

ClinVar aggregate classification (germline): Uncertain significance. Review status: criteria provided, multiple submitters, no conflicts (2 of 4 stars). 2 submissions from 2 submitters: Uncertain significance (2). Last evaluated 2023-07-15.

Conditions:
Hereditary cancer-predisposing syndrome. Also called: Tumor predisposition; Hereditary neoplastic syndrome; Neoplastic Syndromes, Hereditary; Hereditary Cancer Syndrome. Identifiers: Orphanet 140162, MedGen C0027672, MeSH D009386, MONDO:0015356.

Allele frequency attached by ClinVar (database versions not stated): gnomAD exomes below 0.00001; TOPMed below 0.00001; gnomAD 0.00001.

Submissions (2):

Ambry Genetics
Classification: Uncertain significance for Hereditary cancer-predisposing syndrome. Last evaluated: 2023-07-15. Review status: criteria provided, single submitter. Criteria: Ambry Variant Classification Scheme 2023. Collection method: clinical testing. Allele origin: germline.
Comment: The p.M1024V variant (also known as c.3070A>G), located in coding exon 26 of the POLE gene, results from an A to G substitution at nucleotide position 3070. The methionine at codon 1024 is replaced by valine, an amino acid with highly similar properties. This amino acid position is conserved. In addition, the in silico prediction for this alteration is inconclusive. Since supporting evidence is limited at this time, the clinical significance of this alteration remains unclear.

Labcorp Genetics (formerly Invitae), Labcorp
Classification: Uncertain significance. Last evaluated: 2023-01-01. Review status: criteria provided, single submitter. Criteria: Invitae Variant Classification Sherloc (09022015). Collection method: clinical testing. Allele origin: germline.
Comment: This sequence change replaces methionine, which is neutral and non-polar, with valine, which is neutral and non-polar, at codon 1024 of the POLE protein (p.Met1024Val). This variant is not present in population databases (gnomAD no frequency). In summary, the available evidence is currently insufficient to determine the role of this variant in disease. Therefore, it has been classified as a Variant of Uncertain Significance. Advanced modeling of protein sequence and biophysical properties (such as structural, functional, and spatial information, amino acid conservation, physicochemical variation, residue mobility, and thermodynamic stability) performed at Invitae indicates that this missense variant is not expected to disrupt POLE protein function. ClinVar contains an entry for this variant (Variation ID: 960495). This variant has not been reported in the literature in individuals affected with POLE-related conditions.